The following is an entry in ClinVar:

NM_001267550.2(TTN):c.75633_75636dup (p.Val25213fs)

Genes: TTN (titin; minus strand), TTN-AS1 (TTN antisense RNA 1; plus strand). Cytogenetic location: 2q31.2.
Variant type: Duplication.
Coding change: c.75633_75636dup on transcript NM_001267550.2 (MANE Select); coding-DNA positions 75633 to 75636, 4 bases duplicated (TGTT; older notation c.75633_75636dupTGTT).
Protein change: p.Val25213fs; shifts the reading frame from valine 25213.
Molecular consequence: frameshift variant.
Genome position (GRCh38, 1-based): chr2:178,570,496-178,570,499, AACA duplicated on the plus strand (TGTT on the coding strand, the reverse complement: TTN is on the minus strand). VCF-style (leftmost placement, unchanged base first): chr2-178570495-C-CAACA. GRCh37 (hg19) VCF-style: chr2-179435222-C-CAACA.
Other names: c.70710_70713dup, p.Val23572fs (NM_001256850.1); c.48438_48441dup, p.Val16148fs (NM_003319.4); c.67929_67932dup, p.Val22645fs (NM_133378.4); c.48813_48816dup, p.Val16273fs (NM_133432.3); c.49014_49017dup, p.Val16340fs (NM_133437.4); c.48438_48441dupTGTT (NM_003319.4); c.75633_75636dupTGTT (NM_001267550.2); c.75633_75636dup (NM_001267550.1); short protein forms V16148fs, V16340fs, V22645fs, V25213fs, V16273fs, V23572fs.
Identifiers: ClinVar variation 520818 (VCV000520818.21), dbSNP rs1553603036, ClinGen allele CA658796030.

ClinVar aggregate classification (germline): Pathogenic/Likely pathogenic. Review status: criteria provided, multiple submitters, no conflicts (2 of 4 stars). 8 submissions from 7 submitters: Pathogenic (2); Likely pathogenic (6). Last evaluated 2026-04-08.

Conditions:
Dilated cardiomyopathy 1G (CMD1G). Identifiers: Orphanet 154, MedGen C1858763, MONDO:0011400, OMIM 604145.
Early-onset myopathy with fatal cardiomyopathy (CMYO5). Also called: CONGENITAL MYOPATHY 5 WITH CARDIOMYOPATHY; Salih Myopathy. Identifiers: Orphanet 289377, MedGen C2673677, MONDO:0012714, OMIM 611705. Disease mechanism: loss of function.
Myopathy, myofibrillar, 9, with early respiratory failure (MFM9). Also called: Hereditary myopathy with early respiratory failure; EDSTROM MYOPATHY; Myopathy, distal, with early respiratory failure, autosomal dominant; MYOPATHY, PROXIMAL, WITH EARLY RESPIRATORY MUSCLE INVOLVEMENT. Identifiers: Orphanet 178464, Orphanet 34521, MedGen C1863599, MONDO:0011362, OMIM 603689.
Autosomal recessive limb-girdle muscular dystrophy type 2J (LGMDR10). Also called: Limb-girdle muscular dystrophy, type 2J; MUSCULAR DYSTROPHY, LIMB-GIRDLE, AUTOSOMAL RECESSIVE 10. Identifiers: Orphanet 140922, MedGen C1837342, MONDO:0012127, OMIM 608807.
Tibial muscular dystrophy (TMD). Also called: Tibial muscular dystrophy, tardive; Udd Distal Myopathy – Tibial Muscular Dystrophy; UDD MYOPATHY. Identifiers: Orphanet 609, MedGen C1838244, MONDO:0010870, OMIM 600334.
Hypertrophic cardiomyopathy 9. Also called: Familial hypertrophic cardiomyopathy 9. Identifiers: MedGen C1861065, MONDO:0013412, OMIM 613765.
TTN-related disorder. Also called: TTN-related condition; TTN-related disease; TTN-related disorders.
Cardiovascular phenotype. Identifiers: MedGen CN230736.
Inborn genetic diseases. Identifiers: MedGen C0950123, MeSH D030342.

Submissions (8):

GeneDx
Classification: Likely pathogenic. Last evaluated: 2026-04-08. Review status: criteria provided, single submitter. Criteria: GeneDx Variant Classification Process June 2021. Collection method: clinical testing. Allele origin: germline.
Comment: Frameshift variant predicted to result in protein truncation or nonsense mediated decay in a gene for which loss of function is a known mechanism of disease; Located in the A-band, a region of TTN for which truncating variants are significantly associated with autosomal dominant cardiomyopathy and also with autosomal recessive skeletal myopathies (PMID: 22335739, 32778822); Identified in a patient with DCM in published literature (PMID: 27532257); Not observed at significant frequency in large population cohorts (gnomAD); This variant is associated with the following publications: (PMID: 38438525, 22335739, 32778822, 27532257)

Labcorp Genetics (formerly Invitae), Labcorp
Classification: Pathogenic for Dilated cardiomyopathy 1G; Autosomal recessive limb-girdle muscular dystrophy type 2J. Last evaluated: 2025-12-09. Review status: criteria provided, single submitter. Criteria: Invitae Variant Classification Sherloc (09022015). Collection method: clinical testing. Allele origin: germline.
Comment: This sequence change creates a premature translational stop signal (p.Val25213Cysfs*25) in the TTN gene. While this is not anticipated to result in nonsense mediated decay, it is expected to create a truncated TTN protein. This variant is not present in population databases (gnomAD no frequency). This premature translational stop signal has been observed in individuals with clinical features of dilated cardiomyopathy (PMID: 27532257; internal data). ClinVar contains an entry for this variant (Variation ID: 520818). This variant is located in the A band of TTN (PMID: 25589632). Truncating variants in this region are significantly overrepresented in patients affected with dilated cardiomyopathy (PMID: 25589632). Truncating variants in this region have also been reported in individuals affected with autosomal recessive centronuclear myopathy (PMID: 23975875). For these reasons, this variant has been classified as Pathogenic.

Ambry Genetics
Classification: Likely pathogenic for Cardiovascular phenotype. Last evaluated: 2022-05-24. Review status: criteria provided, single submitter. Criteria: Ambry General Variant Classification Scheme_2022. Collection method: clinical testing. Allele origin: germline. Observed: 1 variant allele.
Comment: The c.48438_48441dupTGTT variant, located in coding exon 153 of the TTN gene, results from a duplication of TGTT at nucleotide position 48438, causing a translational frameshift with a predicted alternate stop codon (p.V16148Cfs*25). This exon is located in the A-band region of the N2-B isoform of the titin protein and is constitutively expressed in TTN transcripts (percent spliced in or PSI 100%). This variant was identified in one individual with dilated cardiomyopathy; however, clinical details were limited (Walsh R et al. Genet. Med., 2017 02;19:192-203). This variant is considered to be rare based on population cohorts in the Genome Aggregation Database (gnomAD). This alteration is expected to result in loss of function by premature protein truncation or nonsense-mediated mRNA decay. While truncating variants in TTN are present in 1-3% of the general population, truncating variants in the A-band are the most common cause of dilated cardiomyopathy (DCM) (Herman DS et al. N. Engl. J. Med., 2012 Feb;366:619-28; Roberts AM et al. Sci Transl Med, 2015 Jan;7:270ra6). TTN truncating variants encoded in constitutive exons (PSI >90%) have been found to be significantly associated with DCM regardless of their position in titin (Schafer S et al. Nat. Genet., 2017 01;49:46-53). As such, this alteration is classified as likely pathogenic.

Blueprint Genetics
Classification: Pathogenic for TTN-related disorders. Last evaluated: 2021-12-24. Review status: criteria provided, single submitter. Criteria: ACMG Guidelines, 2015. Collection method: clinical testing. Allele origin: germline. Affected: yes. Observed: 1 variant allele.

Fulgent Genetics
Classification: Likely pathogenic for Tibial muscular dystrophy; Myopathy, myofibrillar, 9, with early respiratory failure; Dilated cardiomyopathy 1G; Autosomal recessive limb-girdle muscular dystrophy type 2J; Early-onset myopathy with fatal cardiomyopathy; Hypertrophic cardiomyopathy 9. Last evaluated: 2021-10-09. Review status: criteria provided, single submitter. Criteria: ACMG Guidelines, 2015. Collection method: clinical testing. Allele origin: unknown.

AiLife Diagnostics
Classification: Likely pathogenic. Last evaluated: 2021-09-22. Review status: criteria provided, single submitter. Criteria: ACMG Guidelines, 2015. Collection method: clinical testing. Allele origin: germline. Affected: yes. Observed: 1 variant allele.

Revvity Omics, Revvity
Classification: Likely pathogenic. Last evaluated: 2019-10-24. Review status: criteria provided, single submitter. Criteria: ACMG Guidelines, 2015. Collection method: clinical testing. Allele origin: germline.

Ambry Genetics
Classification: Likely pathogenic for Hereditary disease. Last evaluated: 2018-01-04. Review status: criteria provided, single submitter. Criteria: ambry_reporting_categories_2017. Collection method: clinical testing. Allele origin: germline. Affected: yes. Observed: 1 heterozygote. Segregation with disease observed.
Comment: Lines of evidence used in support of classification: UNCERTAIN: Alteration(s) of Uncertain Clinical Significance Detected

Literature cited by the submitters: PubMed 27532257 (cited by 3 submitters); PubMed 25589632 (cited by Labcorp Genetics (formerly Invitae), Labcorp); PubMed 23975875 (cited by Labcorp Genetics (formerly Invitae), Labcorp).